The following is an entry in ClinVar:

ClinVar aggregate classification (germline): Uncertain significance (1 of 4 stars; one submission).

Allele frequency attached by ClinVar (database versions not stated): gnomAD exomes below 0.00001; TOPMed below 0.00001.
gnomAD v4.1: 1 of 1,541,170 alleles (0.000065%); highest among the groups gnomAD compares: Non-Finnish European, 0.000088%; no homozygotes.

Submission:

Labcorp Genetics (formerly Invitae), Labcorp
Classification: Uncertain significance. Last evaluated: 2022-09-13. Review status: criteria provided, single submitter. Criteria: Invitae Variant Classification Sherloc (09022015). Collection method: clinical testing. Allele origin: germline.
Comment: In summary, the available evidence is currently insufficient to determine the role of this variant in disease. Therefore, it has been classified as a Variant of Uncertain Significance. This sequence change replaces proline, which is neutral and non-polar, with leucine, which is neutral and non-polar, at codon 29 of the KMT2C protein (p.Pro29Leu). This variant is not present in population databases (gnomAD no frequency). This variant has not been reported in the literature in individuals affected with KMT2C-related conditions. ClinVar contains an entry for this variant (Variation ID: 1377468). Algorithms developed to predict the effect of missense changes on protein structure and function are either unavailable or do not agree on the potential impact of this missense change (SIFT: "Tolerated"; PolyPhen-2: "Probably Damaging"; Align-GVGD: "Class C0").

NM_170606.3(KMT2C):c.86C>T (p.Pro29Leu)

Gene: KMT2C (lysine methyltransferase 2C; minus strand). Cytogenetic location: 7q36.1.
Variant type: single nucleotide variant.
Coding change: c.86C>T on transcript NM_170606.3 (MANE Select); coding-DNA position 86, C replaced by T.
Protein change: p.Pro29Leu; replaces proline 29 with leucine.
Molecular consequence: missense variant.
Genome position (GRCh38, 1-based): chr7:152,435,701, G>A on the plus strand (C>T on the coding strand, the complement: KMT2C is on the minus strand). VCF-style: chr7-152435701-G-A. GRCh37 (hg19) VCF-style: chr7-152132786-G-A.
Other names: short protein forms P29L.
Identifiers: ClinVar variation 1377468 (VCV001377468.6), dbSNP rs2097911322, ClinGen allele CA370104347.